The following is an entry in ClinVar:

NM_005462.5(MAGEC1):c.484G>C (p.Val162Leu)

Gene: MAGEC1 (MAGE family member C1; plus strand). Cytogenetic location: Xq27.2.
Variant type: single nucleotide variant.
Coding change: c.484G>C on transcript NM_005462.5 (MANE Select); coding-DNA position 484, G replaced by C.
Protein change: p.Val162Leu; replaces valine 162 with leucine.
Molecular consequence: missense variant.
Genome position (GRCh38, 1-based): chrX:141,905,888, G>C. VCF-style: chrX-141905888-G-C. GRCh37 (hg19) VCF-style: chrX-140993674-G-C.
Other names: short protein forms V162L.
Identifiers: ClinVar variation 4872113 (VCV004872113.2).
Genomic context (GRCh38, chrX:141,905,888, plus strand): 5'-AGTATTTTCCAGAGTTCCCCTGAGAGTACTCAAAGTCCTTTTGAGGGTTTTCCCCAGTCT[G>C]TTCTCCAGATTCCTGTGAGCGCCGCCTCCTCCTCCACTTTAGTGAGTATTTTCCAGAGTT-3'
Protein context (NP_005453.2, residues 152-172): QSPFEGFPQS[Val162Leu]LQIPVSAASS

ClinVar aggregate classification (germline): Likely benign (1 of 4 stars; one submission).

Submission:

CeGaT Center for Human Genetics Tuebingen
Classification: Likely benign. Last evaluated: 2026-04-01. Review status: criteria provided, single submitter. Criteria: CeGaT Center For Human Genetics Tuebingen Variant Classification Criteria Version 2. Collection method: clinical testing. Allele origin: germline. Affected: yes. Observed: 1 variant allele.
Comment: MAGEC1: BP4, BS2